The following is an entry in ClinVar:

NM_001394062.1(MACF1):c.20771G>A (p.Arg6924Gln)

Gene: MACF1 (microtubule actin crosslinking factor 1; plus strand). Cytogenetic location: 1p34.3.
Variant type: single nucleotide variant.
Coding change: c.20771G>A on transcript NM_001394062.1 (MANE Select); coding-DNA position 20771, G replaced by A.
Protein change: p.Arg6924Gln; replaces arginine 6924 with glutamine.
Molecular consequence: missense variant.
Genome position (GRCh38, 1-based): chr1:39,453,735, G>A. VCF-style: chr1-39453735-G-A. GRCh37 (hg19) VCF-style: chr1-39919407-G-A.
Other names: c.8849G>A, p.Arg2950Gln (NM_001397473.1); c.14594G>A, p.Arg4865Gln (NM_012090.5); short protein forms R2950Q, R4865Q, R6924Q.
Identifiers: ClinVar variation 1952028 (VCV001952028.6), dbSNP rs752466285, ClinGen allele CA784468.

ClinVar aggregate classification (germline): Conflicting classifications of pathogenicity. Review status: criteria provided, conflicting classifications (1 of 4 stars). 2 submissions from 2 submitters: Uncertain significance (1); Likely benign (1). Last evaluated 2022-05-24.

Conditions:
Inborn genetic diseases. Identifiers: MedGen C0950123, MeSH D030342.

Allele frequency attached by ClinVar (database versions not stated): gnomAD 0.00005; TOPMed 0.00005; ExAC 0.00014.
gnomAD v4.1: 176 of 1,614,002 alleles (0.011%); highest among the groups gnomAD compares: Middle Eastern, 0.016%; no homozygotes.

Submissions (2):

Labcorp Genetics (formerly Invitae), Labcorp
Classification: Uncertain significance. Last evaluated: 2022-05-24. Review status: criteria provided, single submitter. Criteria: Invitae Variant Classification Sherloc (09022015). Collection method: clinical testing. Allele origin: germline.
Comment: In summary, the available evidence is currently insufficient to determine the role of this variant in disease. Therefore, it has been classified as a Variant of Uncertain Significance. Algorithms developed to predict the effect of missense changes on protein structure and function are either unavailable or do not agree on the potential impact of this missense change (SIFT: "Tolerated"; PolyPhen-2: "Possibly Damaging"; Align-GVGD: "Class C0"). This variant has not been reported in the literature in individuals affected with MACF1-related conditions. This variant is present in population databases (rs752466285, gnomAD 0.02%). This sequence change replaces arginine, which is basic and polar, with glutamine, which is neutral and polar, at codon 4865 of the MACF1 protein (p.Arg4865Gln).

Ambry Genetics
Classification: Likely benign for Inborn genetic diseases. Last evaluated: 2021-07-06. Review status: criteria provided, single submitter. Criteria: Ambry Variant Classification Scheme 2023. Collection method: clinical testing. Allele origin: germline.